The following is an entry in ClinVar:

NM_015937.6(PIGT):c.1612G>A (p.Val538Met)

Gene: PIGT (phosphatidylinositol glycan anchor biosynthesis class T; plus strand). Cytogenetic location: 20q13.12.
Variant type: single nucleotide variant.
Coding change: c.1612G>A on transcript NM_015937.6 (MANE Select); coding-DNA position 1612, G replaced by A.
Protein change: p.Val538Met; replaces valine 538 with methionine.
Molecular consequence: missense variant. On other transcripts: non-coding transcript variant (5).
Genome position (GRCh38, 1-based): chr20:45,425,701, G>A. VCF-style: chr20-45425701-G-A. GRCh37 (hg19) VCF-style: chr20-44054341-G-A.
Other names: c.1444G>A, p.Val482Met (NM_001184728.3); c.1411G>A, p.Val471Met (NM_001184729.3); c.1306G>A, p.Val436Met (NM_001184730.3); c.1612G>A (NM_015937.4); short protein forms V436M, V471M, V482M, V538M.
Identifiers: ClinVar variation 2505005 (VCV002505005.3), dbSNP rs761897949, ClinGen allele CA9878332.

ClinVar aggregate classification (germline): Uncertain significance. Review status: criteria provided, multiple submitters, no conflicts (2 of 4 stars). 2 submissions from 2 submitters: Uncertain significance (2). Last evaluated 2023-05-24.

Conditions:
Inborn genetic diseases. Identifiers: MedGen C0950123, MeSH D030342.

Allele frequency attached by ClinVar (database versions not stated): gnomAD 0.00001; ExAC 0.00002; TOPMed 0.00002; gnomAD exomes 0.00003.
gnomAD v4.1: 46 of 1,613,990 alleles (0.0029%); highest among the groups gnomAD compares: Middle Eastern, 0.016%; no homozygotes.

Submissions (2):

Ambry Genetics
Classification: Uncertain significance for Inborn genetic diseases. Last evaluated: 2023-05-24. Review status: criteria provided, single submitter. Criteria: Ambry Variant Classification Scheme 2023. Collection method: clinical testing. Allele origin: germline.

GeneDx
Classification: Uncertain significance. Last evaluated: 2023-05-09. Review status: criteria provided, single submitter. Criteria: GeneDx Variant Classification Process June 2021. Collection method: clinical testing. Allele origin: germline. Affected: yes.
Comment: Not observed at significant frequency in large population cohorts (gnomAD); In silico analysis supports that this missense variant does not alter protein structure/function; Has not been previously published as pathogenic or benign to our knowledge